The following is an entry in ClinVar:

NM_020987.5(ANK3):c.3559G>A (p.Glu1187Lys)

Gene: ANK3 (ankyrin 3; minus strand). Cytogenetic location: 10q21.2.
Variant type: single nucleotide variant.
Coding change: c.3559G>A on transcript NM_020987.5 (MANE Select); coding-DNA position 3559, G replaced by A.
Protein change: p.Glu1187Lys; replaces glutamic acid 1187 with lysine.
Molecular consequence: missense variant.
Genome position (GRCh38, 1-based): chr10:60,086,866, C>T on the plus strand (G>A on the coding strand, the complement: ANK3 is on the minus strand). VCF-style: chr10-60086866-C-T. GRCh37 (hg19) VCF-style: chr10-61846624-C-T.
Other names: c.961G>A, p.Glu321Lys (NM_001149.4); c.3541G>A, p.Glu1181Lys (NM_001204403.2); c.3562G>A, p.Glu1188Lys (NM_001204404.2); c.3559G>A, p.Glu1187Lys (NM_001320874.2); short protein forms E1188K, E1181K, E321K, E1187K.
Identifiers: ClinVar variation 3393624 (VCV003393624.1).

ClinVar aggregate classification (germline): Uncertain significance (1 of 4 stars; one submission).

Submission:

GeneDx
Classification: Uncertain significance. Last evaluated: 2024-07-01. Review status: criteria provided, single submitter. Criteria: GeneDx Variant Classification Process June 2021. Collection method: clinical testing. Allele origin: germline. Affected: yes.
Comment: Not observed at significant frequency in large population cohorts (gnomAD); In silico analysis supports that this missense variant has a deleterious effect on protein structure/function; Has not been previously published as pathogenic or benign to our knowledge